The following is an entry in ClinVar:

ClinVar aggregate classification (germline): Uncertain significance (1 of 4 stars; one submission).

Submission:

Labcorp Genetics (formerly Invitae), Labcorp
Classification: Uncertain significance. Last evaluated: 2024-08-02. Review status: criteria provided, single submitter. Criteria: Invitae Variant Classification Sherloc (09022015). Collection method: clinical testing. Allele origin: germline.
Comment: This sequence change falls in intron 6 of the SLCO5A1 gene. It does not directly change the encoded amino acid sequence of the SLCO5A1 protein. It affects a nucleotide within the consensus splice site. This variant is not present in population databases (gnomAD no frequency). This variant has not been reported in the literature in individuals affected with SLCO5A1-related conditions. Variants that disrupt the consensus splice site are a relatively common cause of aberrant splicing (PMID: 17576681, 9536098). Algorithms developed to predict the effect of sequence changes on RNA splicing suggest that this variant may disrupt the consensus splice site. In summary, the available evidence is currently insufficient to determine the role of this variant in disease. Therefore, it has been classified as a Variant of Uncertain Significance.

Literature cited by the submitters: PubMed 17576681; PubMed 9536098.

NM_030958.3(SLCO5A1):c.1622+5G>A

Gene: SLCO5A1 (solute carrier organic anion transporter family member 5A1; minus strand). Cytogenetic location: 8q13.3.
Variant type: single nucleotide variant.
Coding change: c.1622+5G>A on transcript NM_030958.3 (MANE Select); 5 bases into the intron after coding-DNA position 1622, G replaced by A.
Molecular consequence: intron variant.
Genome position (GRCh38, 1-based): chr8:69,705,026, C>T on the plus strand (G>A on the coding strand, the complement: SLCO5A1 is on the minus strand). VCF-style: chr8-69705026-C-T. GRCh37 (hg19) VCF-style: chr8-70617261-C-T.
Other names: c.1622+5G>A (NM_001146008.2); c.1457+5G>A (NM_001146009.1).
Identifiers: ClinVar variation 3648052 (VCV003648052.2).